The following is an entry in ClinVar:

NM_004415.4(DSP):c.458A>G (p.Tyr153Cys)

Gene: DSP (desmoplakin; plus strand). Cytogenetic location: 6p24.3.
Variant type: single nucleotide variant.
Coding change: c.458A>G on transcript NM_004415.4 (MANE Select); coding-DNA position 458, A replaced by G.
Protein change: p.Tyr153Cys; replaces tyrosine 153 with cysteine.
Molecular consequence: missense variant.
Genome position (GRCh38, 1-based): chr6:7,559,261, A>G. VCF-style: chr6-7559261-A-G. GRCh37 (hg19) VCF-style: chr6-7559494-A-G.
Other names: c.458A>G (NM_004415.2); c.458A>G, p.Tyr153Cys (NM_001008844.3, NM_001319034.2); short protein forms Y153C.
Identifiers: ClinVar variation 1046307 (VCV001046307.10), dbSNP rs1758601898, ClinGen allele CA362672183.

ClinVar aggregate classification (germline): Uncertain significance. Review status: criteria provided, multiple submitters, no conflicts (2 of 4 stars). 2 submissions from 2 submitters: Uncertain significance (2). Last evaluated 2025-08-28.

Conditions:
Cardiovascular phenotype. Identifiers: MedGen CN230736.
Arrhythmogenic right ventricular dysplasia 8 (ARVD8). Also called: Arrhythmogenic Right Ventricular Dysplasia/Cardiomyopathy 8; ARRHYTHMOGENIC RIGHT VENTRICULAR CARDIOMYOPATHY 8; ARRHYTHMOGENIC RIGHT VENTRICULAR DYSPLASIA, FAMILIAL, 8. Identifiers: MedGen C1843896, MONDO:0011831, OMIM 607450.
Arrhythmogenic cardiomyopathy with wooly hair and keratoderma. Also called: Carvajal syndrome; PALMOPLANTAR KERATODERMA WITH LEFT VENTRICULAR CARDIOMYOPATHY AND WOOLLY HAIR; Arrhythmogenic cardiomyopathy with woolly hair and keratoderma; Dilated cardiomyopathy with woolly hair and keratoderma. Identifiers: Orphanet 65282, MedGen C1854063, MONDO:0011581, OMIM 605676.

Allele frequency attached by ClinVar (database versions not stated): gnomAD exomes below 0.00001.
gnomAD v4.1: 2 of 1,613,992 alleles (0.00012%); highest among the groups gnomAD compares: East Asian, 0.0022%; no homozygotes.

Submissions (2):

Ambry Genetics
Classification: Uncertain significance for Cardiovascular phenotype. Last evaluated: 2025-08-28. Review status: criteria provided, single submitter. Criteria: Ambry Variant Classification Scheme 2023. Collection method: clinical testing. Allele origin: germline.
Comment: The p.Y153C variant (also known as c.458A>G), located in coding exon 4 of the DSP gene, results from an A to G substitution at nucleotide position 458. The tyrosine at codon 153 is replaced by cysteine, an amino acid with highly dissimilar properties. This amino acid position is conserved. In addition, the in silico prediction for this alteration is inconclusive. Based on the available evidence, the clinical significance of this variant remains unclear.

Labcorp Genetics (formerly Invitae), Labcorp
Classification: Uncertain significance for Arrhythmogenic cardiomyopathy with wooly hair and keratoderma; Arrhythmogenic right ventricular dysplasia 8. Last evaluated: 2020-09-27. Review status: criteria provided, single submitter. Criteria: Invitae Variant Classification Sherloc (09022015). Collection method: clinical testing. Allele origin: germline.
Comment: This variant has not been reported in the literature in individuals with DSP-related conditions. In summary, the available evidence is currently insufficient to determine the role of this variant in disease. Therefore, it has been classified as a Variant of Uncertain Significance. Algorithms developed to predict the effect of missense changes on protein structure and function are either unavailable or do not agree on the potential impact of this missense change (SIFT: "Deleterious"; PolyPhen-2: "Benign"; Align-GVGD: "Class C0"). This variant is not present in population databases (ExAC no frequency). This sequence change replaces tyrosine with cysteine at codon 153 of the DSP protein (p.Tyr153Cys). The tyrosine residue is highly conserved and there is a large physicochemical difference between tyrosine and cysteine.